The following is an entry in ClinVar:

NM_001042492.3(NF1):c.6058A>G (p.Thr2020Ala)

Gene: NF1 (neurofibromin 1; plus strand). Cytogenetic location: 17q11.2.
Variant type: single nucleotide variant.
Coding change: c.6058A>G on transcript NM_001042492.3 (MANE Select); coding-DNA position 6058, A replaced by G.
Protein change: p.Thr2020Ala; replaces threonine 2020 with alanine.
Molecular consequence: missense variant.
Genome position (GRCh38, 1-based): chr17:31,336,384, A>G. VCF-style: chr17-31336384-A-G. GRCh37 (hg19) VCF-style: chr17-29663402-A-G.
Other names: c.5995A>G, p.Thr1999Ala (NM_000267.4); short protein forms T1999A, T2020A.
Identifiers: ClinVar variation 826104 (VCV000826104.12), dbSNP rs1597842258, ClinGen allele CA399011142.

ClinVar aggregate classification (germline): Uncertain significance. Review status: criteria provided, multiple submitters, no conflicts (2 of 4 stars). 4 submissions from 4 submitters: Uncertain significance (4). Last evaluated 2025-09-01.

Conditions:
Hereditary cancer-predisposing syndrome. Also called: Neoplastic Syndromes, Hereditary; Hereditary Cancer Syndrome; Hereditary neoplastic syndrome; Tumor predisposition. Identifiers: Orphanet 140162, MedGen C0027672, MeSH D009386, MONDO:0015356.
Cardiovascular phenotype. Identifiers: MedGen CN230736.
Neurofibromatosis, type 1 (NF1). Also called: Neurofibromatosis, type I; Peripheral type neurofibromatosis; VON RECKLINGHAUSEN DISEASE; NEUROFIBROMATOSIS, TYPE I, SOMATIC. Identifiers: Orphanet 636, MedGen C0027831, MONDO:0018975, OMIM 162200. Disease mechanism: loss of function.

Allele frequency attached by ClinVar (database versions not stated): gnomAD exomes below 0.00001.
gnomAD v4.1: 3 of 1,614,138 alleles (0.00019%); highest among the groups gnomAD compares: Non-Finnish European, 0.00025%; no homozygotes.

Submissions (4):

Labcorp Genetics (formerly Invitae), Labcorp
Classification: Uncertain significance for Neurofibromatosis, type 1. Last evaluated: 2025-09-01. Review status: criteria provided, single submitter. Criteria: Invitae Variant Classification Sherloc (09022015). Collection method: clinical testing. Allele origin: germline.
Comment: This sequence change replaces threonine, which is neutral and polar, with alanine, which is neutral and non-polar, at codon 1999 of the NF1 protein (p.Thr1999Ala). This variant is not present in population databases (gnomAD no frequency). This variant has not been reported in the literature in individuals affected with NF1-related conditions. ClinVar contains an entry for this variant (Variation ID: 826104). Invitae Evidence Modeling of protein sequence and biophysical properties (such as structural, functional, and spatial information, amino acid conservation, physicochemical variation, residue mobility, and thermodynamic stability) has been performed for this missense variant. However, the output from this modeling did not meet the statistical confidence thresholds required to predict the impact of this variant on NF1 protein function. In summary, the available evidence is currently insufficient to determine the role of this variant in disease. Therefore, it has been classified as a Variant of Uncertain Significance.

Ambry Genetics
Classification: Uncertain significance for Cardiovascular phenotype; Hereditary cancer-predisposing syndrome. Last evaluated: 2023-10-20. Review status: criteria provided, single submitter. Criteria: Ambry Variant Classification Scheme 2023. Collection method: clinical testing. Allele origin: germline.
Comment: The p.T1999A variant (also known as c.5995A>G), located in coding exon 40 of the NF1 gene, results from an A to G substitution at nucleotide position 5995. The threonine at codon 1999 is replaced by alanine, an amino acid with similar properties. This amino acid position is highly conserved in available vertebrate species. In addition, the in silico prediction for this alteration is inconclusive. Since supporting evidence is limited at this time, the clinical significance of this alteration remains unclear.

Genome-Nilou Lab
Classification: Uncertain significance for Neurofibromatosis, type 1. Last evaluated: 2022-03-15. Review status: criteria provided, single submitter. Criteria: ACMG Guidelines, 2015. Collection method: clinical testing. Allele origin: germline. Affected: no.

GeneDx
Classification: Uncertain significance. Last evaluated: 2019-08-22. Review status: criteria provided, single submitter. Criteria: GeneDx Variant Classification Process June 2021. Collection method: clinical testing. Allele origin: germline. Affected: yes.
Comment: Not observed in large population cohorts (Lek et al., 2016); In silico analysis, which includes protein predictors and evolutionary conservation, supports a deleterious effect; Has not been previously published as pathogenic or benign to our knowledge